The following is an entry in ClinVar:

NM_139027.6(ADAMTS13):c.1915C>T (p.Arg639Cys)

Gene: ADAMTS13 (ADAM metallopeptidase with thrombospondin type 1 motif 13; plus strand). Cytogenetic location: 9q34.2.
Variant type: single nucleotide variant.
Coding change: c.1915C>T on transcript NM_139027.6 (MANE Select); coding-DNA position 1915, C replaced by T.
Protein change: p.Arg639Cys; replaces arginine 639 with cysteine.
Molecular consequence: missense variant. On other transcripts: non-coding transcript variant (1).
Genome position (GRCh38, 1-based): chr9:133,440,472, C>T. VCF-style: chr9-133440472-C-T. GRCh37 (hg19) VCF-style: chr9-136305593-C-T.
Other names: c.1915C>T, p.Arg639Cys (NM_139025.5); c.1822C>T, p.Arg608Cys (NM_139026.6); short protein forms R608C, R639C.
Identifiers: ClinVar variation 2148877 (VCV002148877.14), dbSNP rs147166780, ClinGen allele CA200932559.
Genomic context (GRCh38, chr9:133,440,472, plus strand): 5'-TCCCTCCTGGAGGATGGTCGTGTCGAGTACAGAGTGGCCCTCACCGAGGACCGGCTGCCC[C>T]GCCTGGAGGAGATCCGCATCTGGGGACCCCTCCAGGAAGATGCTGACATCCAGGTCAGCA-3'
Protein context (NP_620596.2, residues 629-649): RVALTEDRLP[Arg639Cys]LEEIRIWGPL

ClinVar aggregate classification (germline): Uncertain significance. Review status: criteria provided, multiple submitters, no conflicts (2 of 4 stars). 3 submissions from 3 submitters: Uncertain significance (3). Last evaluated 2025-05-01.

Conditions:
Upshaw-Schulman syndrome (TTP). Also called: Congenital thrombotic thrombocytopenic purpura; THROMBOTIC THROMBOCYTOPENIC PURPURA, HEREDITARY. Identifiers: Orphanet 93583, MedGen C1268935, MONDO:0010122, OMIM 274150.

Allele frequency attached by ClinVar (database versions not stated): gnomAD exomes 0.00003; TOPMed 0.00008; ExAC 0.00011; gnomAD 0.00011; ESP Exome Variant Server 0.00015; 1000 Genomes Project 30x 0.00016; 1000 Genomes Project 0.00020.

Submissions (3):

CeGaT Center for Human Genetics Tuebingen
Classification: Uncertain significance. Last evaluated: 2025-05-01. Review status: criteria provided, single submitter. Criteria: CeGaT Center For Human Genetics Tuebingen Variant Classification Criteria Version 2. Collection method: clinical testing. Allele origin: germline. Affected: yes. Observed: 1 variant allele.
Comment: ADAMTS13: PM2, BP4

Fulgent Genetics
Classification: Uncertain significance for Upshaw-Schulman syndrome. Last evaluated: 2024-05-01. Review status: criteria provided, single submitter. Criteria: ACMG Guidelines, 2015. Collection method: clinical testing. Allele origin: germline.

Labcorp Genetics (formerly Invitae), Labcorp
Classification: Uncertain significance. Last evaluated: 2022-06-25. Review status: criteria provided, single submitter. Criteria: Invitae Variant Classification Sherloc (09022015). Collection method: clinical testing. Allele origin: germline.
Comment: This variant has not been reported in the literature in individuals affected with ADAMTS13-related conditions. Algorithms developed to predict the effect of missense changes on protein structure and function are either unavailable or do not agree on the potential impact of this missense change (SIFT: "Deleterious"; PolyPhen-2: "Possibly Damaging"; Align-GVGD: "Class C15"). In summary, the available evidence is currently insufficient to determine the role of this variant in disease. Therefore, it has been classified as a Variant of Uncertain Significance. This variant is present in population databases (rs147166780, gnomAD 0.03%). This sequence change replaces arginine, which is basic and polar, with cysteine, which is neutral and slightly polar, at codon 639 of the ADAMTS13 protein (p.Arg639Cys).